The following is an entry in ClinVar:

ClinVar aggregate classification (germline): Uncertain significance. Review status: criteria provided, multiple submitters, no conflicts (2 of 4 stars). 2 submissions from 2 submitters: Uncertain significance (2). Last evaluated 2025-03-22.

Conditions:
Dyskeratosis congenita, autosomal dominant 2. Identifiers: MedGen C3151443, MONDO:0013521, OMIM 613989.
Idiopathic Pulmonary Fibrosis. Also called: Idiopathic fibrosing alveolitis, chronic form; idiopathic fibrosing alveolitis. Identifiers: Orphanet 2032, MedGen C1800706, MeSH D054990, MONDO:0800504.
Dyskeratosis congenita. Identifiers: Orphanet 1775, MedGen C0265965, MONDO:0015780.

Allele frequency attached by ClinVar (database versions not stated): gnomAD exomes below 0.00001; TOPMed below 0.00001.
gnomAD v4.1: 2 of 1,614,078 alleles (0.00012%); highest among the groups gnomAD compares: Non-Finnish European, 0.00017%; no homozygotes.

Submissions (2):

Ambry Genetics
Classification: Uncertain significance for Dyskeratosis congenita. Last evaluated: 2025-03-22. Review status: criteria provided, single submitter. Criteria: Ambry Variant Classification Scheme 2023. Collection method: clinical testing. Allele origin: germline.
Comment: The p.D637A variant (also known as c.1910A>C), located in coding exon 4 of the TERT gene, results from an A to C substitution at nucleotide position 1910. The aspartic acid at codon 637 is replaced by alanine, an amino acid with dissimilar properties. This amino acid position is conserved. In addition, the in silico prediction for this alteration is inconclusive. Based on the available evidence, the clinical significance of this variant remains unclear.

Labcorp Genetics (formerly Invitae), Labcorp
Classification: Uncertain significance for Dyskeratosis congenita, autosomal dominant 2; Idiopathic Pulmonary Fibrosis. Last evaluated: 2023-07-07. Review status: criteria provided, single submitter. Criteria: Invitae Variant Classification Sherloc (09022015). Collection method: clinical testing. Allele origin: germline.
Comment: In summary, the available evidence is currently insufficient to determine the role of this variant in disease. Therefore, it has been classified as a Variant of Uncertain Significance. Advanced modeling of protein sequence and biophysical properties (such as structural, functional, and spatial information, amino acid conservation, physicochemical variation, residue mobility, and thermodynamic stability) performed at Invitae indicates that this missense variant is expected to disrupt TERT protein function. ClinVar contains an entry for this variant (Variation ID: 2163386). This variant has not been reported in the literature in individuals affected with TERT-related conditions. This variant is not present in population databases (gnomAD no frequency). This sequence change replaces aspartic acid, which is acidic and polar, with alanine, which is neutral and non-polar, at codon 637 of the TERT protein (p.Asp637Ala).

NM_198253.3(TERT):c.1910A>C (p.Asp637Ala)

Gene: TERT (telomerase reverse transcriptase; minus strand). Cytogenetic location: 5p15.33.
Variant type: single nucleotide variant.
Coding change: c.1910A>C on transcript NM_198253.3 (MANE Select); coding-DNA position 1910, A replaced by C.
Protein change: p.Asp637Ala; replaces aspartic acid 637 with alanine.
Molecular consequence: missense variant. On other transcripts: non-coding transcript variant (2).
Genome position (GRCh38, 1-based): chr5:1,280,198, T>G on the plus strand (A>C on the coding strand, the complement: TERT is on the minus strand). VCF-style: chr5-1280198-T-G. GRCh37 (hg19) VCF-style: chr5-1280313-T-G.
Other names: c.1910A>C, p.Asp637Ala (NM_001193376.3, NM_003219.1); short protein forms D637A.
Identifiers: ClinVar variation 2163386 (VCV002163386.4), dbSNP rs1749923627, ClinGen allele CA359081299.